The following is an entry in ClinVar:

NM_001040108.2(MLH3):c.890G>C (p.Arg297Pro)

Gene: MLH3 (mutL homolog 3; minus strand). Cytogenetic location: 14q24.3.
Variant type: single nucleotide variant.
Coding change: c.890G>C on transcript NM_001040108.2 (MANE Select); coding-DNA position 890, G replaced by C.
Protein change: p.Arg297Pro; replaces arginine 297 with proline.
Molecular consequence: missense variant.
Genome position (GRCh38, 1-based): chr14:75,048,766, C>G on the plus strand (G>C on the coding strand, the complement: MLH3 is on the minus strand). VCF-style: chr14-75048766-C-G. GRCh37 (hg19) VCF-style: chr14-75515469-C-G.
Other names: c.890G>C, p.Arg297Pro (NM_014381.3); short protein forms R297P.
Identifiers: ClinVar variation 4860210 (VCV004860210.1).

ClinVar aggregate classification (germline): Uncertain significance (1 of 4 stars; one submission).

Submission:

Ambry Genetics
Classification: Uncertain significance. Last evaluated: 2026-05-17. Review status: criteria provided, single submitter. Criteria: Ambry Variant Classification Scheme 2023. Collection method: clinical testing. Allele origin: germline.
Comment: The p.R297P variant (also known as c.890G>C), located in coding exon 1 of the MLH3 gene, results from a G to C substitution at nucleotide position 890. The arginine at codon 297 is replaced by proline, an amino acid with dissimilar properties. This amino acid position is conserved. In addition, the in silico prediction for this alteration is inconclusive. Based on the available evidence, the clinical significance of this variant remains unclear.